The following is an entry in ClinVar:

NM_001005242.3(PKP2):c.1066G>A (p.Ala356Thr)

Gene: PKP2 (plakophilin 2; minus strand). Cytogenetic location: 12p11.21.
Variant type: single nucleotide variant.
Coding change: c.1066G>A on transcript NM_001005242.3 (MANE Select); coding-DNA position 1066, G replaced by A.
Protein change: p.Ala356Thr; replaces alanine 356 with threonine.
Molecular consequence: missense variant.
Genome position (GRCh38, 1-based): chr12:32,869,031, C>T on the plus strand (G>A on the coding strand, the complement: PKP2 is on the minus strand). VCF-style: chr12-32869031-C-T. GRCh37 (hg19) VCF-style: chr12-33021965-C-T.
Other names: c.1066G>A, p.Ala356Thr (NM_001407155.1, NM_001407156.1, NM_001407157.1 and 2 more transcripts); c.739G>A, p.Ala247Thr (NM_001407158.1, NM_001407159.1, NM_001407160.1 and 1 more transcripts); short protein forms A247T, A356T.
Identifiers: ClinVar variation 4757110 (VCV004757110.1).

ClinVar aggregate classification (germline): Uncertain significance (1 of 4 stars; one submission).

Conditions:
Cardiomyopathy (CMYO). Also called: Cardiomyopathies. Identifiers: Orphanet 167848, MedGen C0878544, MONDO:0004994, HP:0001638. Inheritance: Various modes of inheritance.

Submission:

Color Diagnostics, LLC DBA Color Health
Classification: Uncertain significance for Cardiomyopathy. Last evaluated: 2025-06-19. Review status: criteria provided, single submitter. Criteria: ACMG Guidelines, 2015. Collection method: clinical testing. Allele origin: germline.
Comment: This missense variant replaces alanine with threonine at codon 356 of the PKP2 protein. Computational prediction suggests that this variant may not impact protein structure and function. To our knowledge, functional studies have not been reported for this variant. This variant has been reported in an individual affected with dilated cardiomyopathythis individual also carried a truncation variant in the TTN gene (PMID: 39844436). This variant has not been identified in the general population by the Genome Aggregation Database (gnomAD). The available evidence is insufficient to determine the role of this variant in disease conclusively. Therefore, this variant is classified as a Variant of Uncertain Significance.

Literature cited by the submitters: PubMed 39844436.